The following is an entry in ClinVar:

ClinVar aggregate classification (germline): Uncertain significance (1 of 4 stars; one submission).

Conditions:
Inborn genetic diseases. Identifiers: MedGen C0950123, MeSH D030342.

Submission:

Ambry Genetics
Classification: Uncertain significance for Inborn genetic diseases. Last evaluated: 2021-08-14. Review status: criteria provided, single submitter. Criteria: Ambry Variant Classification Scheme 2023. Collection method: clinical testing. Allele origin: germline.
Comment: The p.N238D variant (also known as c.712A>G), located in coding exon 7 of the LRRK2 gene, results from an A to G substitution at nucleotide position 712. The asparagine at codon 238 is replaced by aspartic acid, an amino acid with highly similar properties. This amino acid position is conserved. In addition, this alteration is predicted to be tolerated by in silico analysis. Since supporting evidence is limited at this time, the clinical significance of this alteration remains unclear.

NM_198578.4(LRRK2):c.712A>G (p.Asn238Asp)

Gene: LRRK2 (leucine rich repeat kinase 2; plus strand). Cytogenetic location: 12q12.
Variant type: single nucleotide variant.
Coding change: c.712A>G on transcript NM_198578.4 (MANE Select); coding-DNA position 712, A replaced by G.
Protein change: p.Asn238Asp; replaces asparagine 238 with aspartic acid.
Molecular consequence: missense variant.
Genome position (GRCh38, 1-based): chr12:40,243,555, A>G. VCF-style: chr12-40243555-A-G. GRCh37 (hg19) VCF-style: chr12-40637357-A-G.
Other names: short protein forms N238D.
Identifiers: ClinVar variation 1757294 (VCV001757294.2), dbSNP rs2499454953, ClinGen allele CA384405713.